The following is an entry in ClinVar:

ClinVar aggregate classification (germline): Uncertain significance. Review status: criteria provided, multiple submitters, no conflicts (2 of 4 stars). 2 submissions from 2 submitters: Uncertain significance (2). Last evaluated 2025-10-23.

Conditions:
Tatton-Brown-Rahman overgrowth syndrome. Also called: Tatton-Brown-Rahman syndrome; Tall stature-intellectual disability-facial dysmorphism syndrome. Identifiers: Orphanet 404443, MedGen C4014545, MONDO:0014382, OMIM 615879.
DNMT3A-related disorder. Also called: DNMT3A-related disorders; DNMT3A-related condition.

gnomAD v4.1: 24 of 1,611,930 alleles (0.0015%); highest among the groups gnomAD compares: African/African-American, 0.0027%; no homozygotes.

Submissions (2):

PreventionGenetics, part of Exact Sciences
Classification: Uncertain significance for DNMT3A-related condition. Last evaluated: 2025-10-23. Review status: criteria provided, single submitter. Criteria: ACMG Guidelines, 2015. Collection method: clinical testing. Allele origin: germline.
Comment: The DNMT3A c.176C>T variant is predicted to result in the amino acid substitution p.Pro59Leu. To our knowledge, this variant has not been reported in the literature. This variant is reported in 0.0055% of alleles in individuals of East Asian descent in gnomAD. At this time, the clinical significance of this variant is uncertain due to the absence of conclusive functional and genetic evidence.

Labcorp Genetics (formerly Invitae), Labcorp
Classification: Uncertain significance for Tatton-Brown-Rahman overgrowth syndrome. Last evaluated: 2025-02-20. Review status: criteria provided, single submitter. Criteria: Invitae Variant Classification Sherloc (09022015). Collection method: clinical testing. Allele origin: germline.
Comment: This sequence change replaces proline, which is neutral and non-polar, with leucine, which is neutral and non-polar, at codon 59 of the DNMT3A protein (p.Pro59Leu). The frequency data for this variant in the population databases is considered unreliable, as metrics indicate poor data quality at this position in the gnomAD database. This variant has not been reported in the literature in individuals affected with DNMT3A-related conditions. Invitae Evidence Modeling of protein sequence and biophysical properties (such as structural, functional, and spatial information, amino acid conservation, physicochemical variation, residue mobility, and thermodynamic stability) indicates that this missense variant is not expected to disrupt DNMT3A protein function with a negative predictive value of 95%. In summary, the available evidence is currently insufficient to determine the role of this variant in disease. Therefore, it has been classified as a Variant of Uncertain Significance.

NM_022552.5(DNMT3A):c.176C>T (p.Pro59Leu)

Gene: DNMT3A (DNA methyltransferase 3 alpha; minus strand). Cytogenetic location: 2p23.3.
Variant type: single nucleotide variant.
Coding change: c.176C>T on transcript NM_022552.5 (MANE Select); coding-DNA position 176, C replaced by T.
Protein change: p.Pro59Leu; replaces proline 59 with leucine.
Molecular consequence: missense variant. On other transcripts: non-coding transcript variant (1).
Genome position (GRCh38, 1-based): chr2:25,300,140, G>A on the plus strand (C>T on the coding strand, the complement: DNMT3A is on the minus strand). VCF-style: chr2-25300140-G-A. GRCh37 (hg19) VCF-style: chr2-25523009-G-A.
Other names: c.176C>T, p.Pro59Leu (NM_001320892.2, NM_175629.2, NM_175630.1); short protein forms P59L.
Identifiers: ClinVar variation 4806942 (VCV004806942.2).